The following is an entry in ClinVar:

ClinVar aggregate classification (germline): Pathogenic (0 of 4 stars; one submission).

Conditions:
Spondyloepimetaphyseal dysplasia, Isidor-Toutain type. Identifiers: MedGen C5231478, MONDO:0032885, OMIM 618728.

Submission:

Center for Molecular Medicine, Karolinska Institute
Classification: Pathogenic for Spondyloepimetaphyseal dysplasia, Isidor-Toutain type. Last evaluated: 2019-12-15. Review status: no assertion criteria provided. Collection method: research. Allele origin: germline. Affected: yes.
Comment: PMID number will be provide as soon as the paper is accepted for publication

NM_000977.4(RPL13):c.553G>C (p.Ala185Pro)

Gene: RPL13 (ribosomal protein L13; plus strand). Cytogenetic location: 16q24.3.
Variant type: single nucleotide variant.
Coding change: c.553G>C on transcript NM_000977.4 (MANE Select); coding-DNA position 553, G replaced by C.
Protein change: p.Ala185Pro; replaces alanine 185 with proline.
Molecular consequence: missense variant.
Genome position (GRCh38, 1-based): chr16:89,562,959, G>C. VCF-style: chr16-89562959-G-C. GRCh37 (hg19) VCF-style: chr16-89629367-G-C.
Other names: c.553G>C, p.Ala185Pro (NM_033251.2); c.412G>C, p.Ala138Pro (NM_001243131.1); short protein forms A138P, A185P.
Identifiers: ClinVar variation 813854 (VCV000813854.1), dbSNP rs2058757423, ClinGen allele CA397422703.
Genomic context (GRCh38, chr16:89,562,959, plus strand): 5'-AAAGCTCGAGTCATCACTGAGGAAGAGAAGAATTTCAAAGCCTTCGCTAGTCTCCGTATG[G>C]CCCGTGCCAACGCCCGGCTCTTCGGCATACGGGCAAAAAGAGCCAAGGAAGCCGCAGAAC-3'
Protein context (NP_000968.2, residues 175-195): NFKAFASLRM[Ala185Pro]RANARLFGIR